The following is an entry in ClinVar:

ClinVar aggregate classification (germline): Uncertain significance (1 of 4 stars; one submission).

Submission:

Labcorp Genetics (formerly Invitae), Labcorp
Classification: Uncertain significance. Last evaluated: 2022-12-21. Review status: criteria provided, single submitter. Criteria: Invitae Variant Classification Sherloc (09022015). Collection method: clinical testing. Allele origin: germline.
Comment: This variant has not been reported in the literature in individuals affected with SCN3A-related conditions. This variant is not present in population databases (gnomAD no frequency). This sequence change falls in intron 7 of the SCN3A gene. It does not directly change the encoded amino acid sequence of the SCN3A protein. It affects a nucleotide within the consensus splice site. In summary, the available evidence is currently insufficient to determine the role of this variant in disease. Therefore, it has been classified as a Variant of Uncertain Significance. Variants that disrupt the consensus splice site are a relatively common cause of aberrant splicing (PMID: 17576681, 9536098). Algorithms developed to predict the effect of sequence changes on RNA splicing suggest that this variant is not likely to affect RNA splicing.

Literature cited by the submitters: PubMed 17576681; PubMed 9536098.

NM_006922.4(SCN3A):c.694+4A>G

Gene: SCN3A (sodium voltage-gated channel alpha subunit 3; minus strand). Cytogenetic location: 2q24.3.
Variant type: single nucleotide variant.
Coding change: c.694+4A>G on transcript NM_006922.4 (MANE Select); 4 bases into the intron after coding-DNA position 694, A replaced by G.
Molecular consequence: intron variant.
Genome position (GRCh38, 1-based): chr2:165,163,614, T>C on the plus strand (A>G on the coding strand, the complement: SCN3A is on the minus strand). VCF-style: chr2-165163614-T-C. GRCh37 (hg19) VCF-style: chr2-166020124-T-C.
Other names: c.694+4A>G (NM_001081676.2); c.694+188A>G (NM_001081677.2).
Identifiers: ClinVar variation 2823056 (VCV002823056.3), dbSNP rs1689546294, ClinGen allele CA1304466416.